The following is an entry in ClinVar:

NM_000431.4(MVK):c.789C>G (p.Pro263=)

Gene: MVK (mevalonate kinase; plus strand). Cytogenetic location: 12q24.11.
Variant type: single nucleotide variant.
Coding change: c.789C>G on transcript NM_000431.4 (MANE Select); coding-DNA position 789, C replaced by G.
Protein change: p.Pro263=; no amino-acid change (proline 263 retained).
Molecular consequence: synonymous variant.
Genome position (GRCh38, 1-based): chr12:109,591,261, C>G. VCF-style: chr12-109591261-C-G. GRCh37 (hg19) VCF-style: chr12-110029066-C-G.
Other names: c.789C>G (LRG_156t1); c.789C>G, p.Pro263= (NM_001114185.3); c.633C>G, p.Pro211= (NM_001301182.2).
Identifiers: ClinVar variation 245648 (VCV000245648.15), dbSNP rs146181903, ClinGen allele CA6779382.

ClinVar aggregate classification (germline): Benign/Likely benign. Review status: criteria provided, multiple submitters, no conflicts (2 of 4 stars). 6 submissions from 6 submitters: Benign (1); Likely benign (4). 1 of the submissions does not count toward it. Last evaluated 2026-07-21.

Conditions:
MVK-related disorder. Also called: MVK-related condition; MVK-related disorders. Identifiers: MedGen CN239294.
Porokeratosis 3, disseminated superficial actinic type (POROK3). Also called: POROKERATOSIS, DISSEMINATED SUPERFICIAL ACTINIC, 1; POROKERATOSIS 3, MULTIPLE TYPES; POROKERATOSIS 3, MIBELLI TYPE. Identifiers: MedGen C1867981, MONDO:0008293, OMIM 175900.
Mevalonic aciduria (MEVA). Identifiers: Orphanet 29, MedGen C1959626, MONDO:0012481, OMIM 610377.
Hyperimmunoglobulin D with periodic fever (HIDS). Also called: Hyperimmunoglobulinemia D; HYPERIMMUNOGLOBULINEMIA D AND PERIODIC FEVER SYNDROME; Hyperimmunoglobulinemia D with periodic fever. Identifiers: Orphanet 343, MedGen C0398691, MONDO:0009849, OMIM 260920.

Allele frequency attached by ClinVar (database versions not stated): ExAC 0.00009; gnomAD 0.00010; gnomAD exomes 0.00011; 1000 Genomes Project 30x 0.00016; 1000 Genomes Project 0.00020; ESP Exome Variant Server 0.00023; TOPMed 0.00030.
gnomAD v4.1: 459 of 1,614,222 alleles (0.028%); highest among the groups gnomAD compares: Non-Finnish European, 0.036%; 1 homozygote.

Submissions (6):

PreventionGenetics, part of Exact Sciences
Classification: Likely benign for MVK-related condition. Last evaluated: 2026-07-21. Review status: criteria provided, single submitter. Criteria: ACMG Guidelines, 2015. Collection method: clinical testing. Allele origin: germline.
Comment: This variant is classified as likely benign based on ACMG/AMP sequence variant interpretation guidelines (Richards et al. 2015 PMID: 25741868, with internal and published modifications).

Labcorp Genetics (formerly Invitae), Labcorp
Classification: Likely benign for Mevalonic aciduria; Hyperimmunoglobulin D with periodic fever; Porokeratosis 3, disseminated superficial actinic type. Last evaluated: 2026-02-04. Review status: criteria provided, single submitter. Criteria: Invitae Variant Classification Sherloc (09022015). Collection method: clinical testing. Allele origin: germline.

Blueprint Genetics
Classification: Likely benign. Last evaluated: 2024-11-14. Review status: criteria provided, single submitter. Criteria: ACMG Guidelines, 2015. Collection method: clinical testing. Allele origin: germline.

ARUP Laboratories, Molecular Genetics and Genomics, ARUP Laboratories
Classification: Likely benign. Last evaluated: 2024-05-20. Review status: criteria provided, single submitter. Criteria: ARUP Molecular Germline Variant Investigation Process 2024. Collection method: clinical testing. Allele origin: germline.

GeneDx
Classification: Benign. Last evaluated: 2015-08-06. Review status: criteria provided, single submitter. Criteria: GeneDx Variant Classification (06012015). Collection method: clinical testing. Allele origin: germline. Affected: yes.
Comment: This variant is considered likely benign or benign based on one or more of the following criteria: it is a conservative change, it occurs at a poorly conserved position in the protein, it is predicted to be benign by multiple in silico algorithms, and/or has population frequency not consistent with disease.

Molecular Genetics Laboratory, BC Children's and BC Women's Hospitals
Classification: Likely benign for Hyperimmunoglobulin D with periodic fever. Last evaluated: 2025-10-01. Review status: no assertion criteria provided. Criteria: ACMG Guidelines, 2015. Collection method: clinical testing. Allele origin: germline. Affected: yes. Not counted in ClinVar's aggregate classification.